The following is an entry in ClinVar:

ClinVar aggregate classification (germline): Uncertain significance (1 of 4 stars; one submission).

Allele frequency attached by ClinVar (database versions not stated): gnomAD exomes 0.00001; ExAC 0.00028.
gnomAD v4.1: 13 of 1,535,840 alleles (0.00085%); highest among the groups gnomAD compares: South Asian, 0.015%; no homozygotes.

Submission:

Labcorp Genetics (formerly Invitae), Labcorp
Classification: Uncertain significance. Last evaluated: 2023-07-03. Review status: criteria provided, single submitter. Criteria: Invitae Variant Classification Sherloc (09022015). Collection method: clinical testing. Allele origin: germline.
Comment: This sequence change replaces lysine, which is basic and polar, with glutamine, which is neutral and polar, at codon 54 of the BBIP1 protein (p.Lys54Gln). This variant is present in population databases (rs774089309, gnomAD 0.03%). This variant has not been reported in the literature in individuals affected with BBIP1-related conditions. An algorithm developed to predict the effect of missense changes on protein structure and function (PolyPhen-2) suggests that this variant is likely to be disruptive. In summary, the available evidence is currently insufficient to determine the role of this variant in disease. Therefore, it has been classified as a Variant of Uncertain Significance.

NM_001195305.3(BBIP1):c.160A>C (p.Lys54Gln)

Gene: BBIP1 (BBSome interacting protein 1; minus strand). Cytogenetic location: 10q25.2.
Variant type: single nucleotide variant.
Coding change: c.160A>C on transcript NM_001195305.3 (MANE Select); coding-DNA position 160, A replaced by C.
Protein change: p.Lys54Gln; replaces lysine 54 with glutamine.
Molecular consequence: missense variant. On other transcripts: 3 prime UTR variant (1).
Genome position (GRCh38, 1-based): chr10:110,900,479, T>G on the plus strand (A>C on the coding strand, the complement: BBIP1 is on the minus strand). VCF-style: chr10-110900479-T-G. GRCh37 (hg19) VCF-style: chr10-112660237-T-G.
Other names: c.*5A>C (NM_001195304.2); c.160A>C, p.Lys54Gln (NM_001195306.2); c.85A>C, p.Lys29Gln (NM_001195307.2); c.94A>C, p.Lys32Gln (NM_001243783.3); short protein forms K32Q, K29Q, K54Q.
Identifiers: ClinVar variation 2797109 (VCV002797109.3), dbSNP rs774089309, ClinGen allele CA5689314.